The following is an entry in ClinVar:

ClinVar aggregate classification (germline): Pathogenic/Likely pathogenic. Review status: criteria provided, multiple submitters, no conflicts (2 of 4 stars). 2 submissions from 2 submitters: Pathogenic (1); Likely pathogenic (1). Last evaluated 2026-07-13.

Submissions (2):

GeneDx
Classification: Pathogenic. Last evaluated: 2026-07-13. Review status: criteria provided, single submitter. Criteria: GeneDx Variant Classification Process June 2021. Collection method: clinical testing. Allele origin: germline.
Comment: Canonical splice site variant predicted to result in a null allele in a gene for which loss of function is a known mechanism of disease; Not observed at significant frequency in large population cohorts (gnomAD); Has not been previously published as pathogenic or benign to our knowledge

Labcorp Genetics (formerly Invitae), Labcorp
Classification: Likely pathogenic. Last evaluated: 2025-08-22. Review status: criteria provided, single submitter. Criteria: Invitae Variant Classification Sherloc (09022015). Collection method: clinical testing. Allele origin: germline.
Comment: This sequence change affects a donor splice site in intron 1 of the WDR62 gene. It is expected to disrupt RNA splicing. Variants that disrupt the donor or acceptor splice site typically lead to a loss of protein function (PMID: 16199547), and loss-of-function variants in WDR62 are known to be pathogenic (PMID: 20729831). This variant is not present in population databases (gnomAD no frequency). Disruption of this splice site has been observed in individual(s) with microcephaly (PMID: 29302074). Algorithms developed to predict the effect of sequence changes on RNA splicing suggest that this variant may disrupt the consensus splice site. In summary, the currently available evidence indicates that the variant is pathogenic, but additional data are needed to prove that conclusively. Therefore, this variant has been classified as Likely Pathogenic.

Literature cited by the submitters: PubMed 16199547 (cited by Labcorp Genetics (formerly Invitae), Labcorp); PubMed 20729831 (cited by Labcorp Genetics (formerly Invitae), Labcorp); PubMed 29302074 (cited by Labcorp Genetics (formerly Invitae), Labcorp).

NM_001083961.2(WDR62):c.177+1G>C

Gene: WDR62 (WD repeat domain 62; plus strand). Cytogenetic location: 19q13.12.
Variant type: single nucleotide variant.
Coding change: c.177+1G>C on transcript NM_001083961.2 (MANE Select); the canonical splice donor site of the intron after coding-DNA position 177, G replaced by C.
Molecular consequence: splice donor variant.
Genome position (GRCh38, 1-based): chr19:36,055,149, G>C. VCF-style: chr19-36055149-G-C. GRCh37 (hg19) VCF-style: chr19-36546051-G-C.
Other names: c.177+1G>C (NM_173636.5, NM_001411146.1, NM_001411145.1 and 1 more transcripts).
Identifiers: ClinVar variation 4532337 (VCV004532337.3).